The following is an entry in ClinVar:

NM_001142966.3(GREB1L):c.4014C>G (p.Phe1338Leu)

Gene: GREB1L (GREB1 like retinoic acid receptor coactivator; plus strand). Cytogenetic location: 18q11.2.
Variant type: single nucleotide variant.
Coding change: c.4014C>G on transcript NM_001142966.3 (MANE Select); coding-DNA position 4014, C replaced by G.
Protein change: p.Phe1338Leu; replaces phenylalanine 1338 with leucine.
Molecular consequence: missense variant.
Genome position (GRCh38, 1-based): chr18:21,500,584, C>G. VCF-style: chr18-21500584-C-G. GRCh37 (hg19) VCF-style: chr18-19080545-C-G.
Other names: c.4143C>G, p.Phe1381Leu (NM_001410867.1); c.3687C>G, p.Phe1229Leu (NM_001410868.1); short protein forms F1229L, F1338L, F1381L.
Identifiers: ClinVar variation 4799355 (VCV004799355.1).

ClinVar aggregate classification (germline): Uncertain significance (1 of 4 stars; one submission).

gnomAD v4.1: 2 of 1,551,372 alleles (0.00013%); highest among the groups gnomAD compares: Non-Finnish European, 0.00017%; no homozygotes.

Submission:

Labcorp Genetics (formerly Invitae), Labcorp
Classification: Uncertain significance. Last evaluated: 2025-08-11. Review status: criteria provided, single submitter. Criteria: Invitae Variant Classification Sherloc (09022015). Collection method: clinical testing. Allele origin: germline.
Comment: This sequence change replaces phenylalanine, which is neutral and non-polar, with leucine, which is neutral and non-polar, at codon 1338 of the GREB1L protein (p.Phe1338Leu). This variant is not present in population databases (gnomAD no frequency). This variant has not been reported in the literature in individuals affected with GREB1L-related conditions. An algorithm developed to predict the effect of missense changes on protein structure and function (PolyPhen-2) suggests that this variant is likely to be disruptive. In summary, the available evidence is currently insufficient to determine the role of this variant in disease. Therefore, it has been classified as a Variant of Uncertain Significance.